The following is an entry in ClinVar:

NM_000540.3(RYR1):c.1218del (p.Asn407fs)

Gene: RYR1 (ryanodine receptor 1; plus strand). Cytogenetic location: 19q13.2.
Variant type: Deletion.
Coding change: c.1218del on transcript NM_000540.3 (MANE Select); coding-DNA position 1218, one base deleted (C; older notation c.1218delC).
Protein change: p.Asn407fs; shifts the reading frame from asparagine 407.
Molecular consequence: frameshift variant.
Genome position (GRCh38, 1-based): chr19:38,451,859, C deleted; the last of 2 consecutive C bases (chr19:38,451,858-38,451,859); deleting either gives the same sequence. VCF-style (leftmost placement, unchanged base first): chr19-38451857-AC-A. GRCh37 (hg19) VCF-style: chr19-38942497-AC-A.
Other names: c.1218delC (NM_000540.2); c.1218del, p.Asn407fs (NM_001042723.2); short protein forms N407fs.
Identifiers: ClinVar variation 581812 (VCV000581812.5), dbSNP rs1568443969, ClinGen allele CA891844322.
Genomic context (GRCh38, chr19:38,451,857, plus strand): 5'-GCACTGTCGCTGACCCGCTGCCAGCAGGAGGAGTCCCAGGCCGCCCGCATGATCCACAGC[AC>A]CAATGGCCTATACAACCAGTTCATCAAGTGAGCAACCTGCCCTCCCTGCTGGGGTGACTC-3'

ClinVar aggregate classification (germline): Pathogenic/Likely pathogenic. Review status: criteria provided, multiple submitters, no conflicts (2 of 4 stars). 2 submissions from 2 submitters: Pathogenic (1); Likely pathogenic (1). Last evaluated 2025-11-12.

Conditions:
RYR1-related disorder. Also called: RYR1-related condition; RYR1-related disorders. Identifiers: MedGen CN239331.

Submissions (2):

PreventionGenetics, part of Exact Sciences
Classification: Likely pathogenic for RYR1-related condition. Last evaluated: 2025-11-12. Review status: criteria provided, single submitter. Criteria: ACMG Guidelines, 2015. Collection method: clinical testing. Allele origin: germline.
Comment: The RYR1 c.1218delC variant is predicted to result in a frameshift and premature protein termination (p.Asn407Metfs*36). To our knowledge, this variant has not been reported in the literature or in a large population database, indicating this variant is rare. Frameshift variants in RYR1 are expected to be pathogenic. This variant is interpreted as likely pathogenic for autosomal recessive RYR1-related myopathies.

Labcorp Genetics (formerly Invitae), Labcorp
Classification: Pathogenic for RYR1-related disorder. Last evaluated: 2018-02-04. Review status: criteria provided, single submitter. Criteria: Invitae Variant Classification Sherloc (09022015). Collection method: clinical testing. Allele origin: germline.
Comment: This sequence change creates a premature translational stop signal (p.Asn407Metfs*36) in the RYR1 gene. It is expected to result in an absent or disrupted protein product. This variant is not present in population databases (ExAC no frequency). This variant has not been reported in the literature in individuals with RYR1-related disease. Loss-of-function variants in RYR1 are known to be pathogenic (PMID: 20583297, 23919265). For these reasons, this variant has been classified as Pathogenic.

Literature cited by the submitters: PubMed 20583297 (cited by Labcorp Genetics (formerly Invitae), Labcorp); PubMed 23919265 (cited by Labcorp Genetics (formerly Invitae), Labcorp).